The following is an entry in ClinVar:

NM_003482.4(KMT2D):c.12724C>T (p.Pro4242Ser)

Gene: KMT2D (lysine methyltransferase 2D; minus strand). Cytogenetic location: 12q13.12.
Variant type: single nucleotide variant.
Coding change: c.12724C>T on transcript NM_003482.4 (MANE Select); coding-DNA position 12724, C replaced by T.
Protein change: p.Pro4242Ser; replaces proline 4242 with serine.
Molecular consequence: missense variant.
Genome position (GRCh38, 1-based): chr12:49,031,981, G>A on the plus strand (C>T on the coding strand, the complement: KMT2D is on the minus strand). VCF-style: chr12-49031981-G-A. GRCh37 (hg19) VCF-style: chr12-49425764-G-A.
Other names: short protein forms P4242S.
Identifiers: ClinVar variation 1394659 (VCV001394659.9), dbSNP rs572421556, ClinGen allele CA384709629.

ClinVar aggregate classification (germline): Uncertain significance. Review status: criteria provided, multiple submitters, no conflicts (2 of 4 stars). 2 submissions from 2 submitters: Uncertain significance (2). Last evaluated 2024-01-03.

Conditions:
Choanal atresia-athelia-hypothyroidism-delayed puberty-short stature syndrome (BCAHH). Also called: BRANCHIAL ARCH ABNORMALITIES, CHOANAL ATRESIA, ATHELIA, HEARING LOSS, AND HYPOTHYROIDISM SYNDROME. Identifiers: Orphanet 589856, MedGen C5680310, MONDO:0035651, OMIM 620186.
Kabuki syndrome 1 (KABUK1). Also called: KMT2D-Related Kabuki Syndrome. Identifiers: Orphanet 2322, MedGen CN030661, MONDO:0007843, OMIM 147920.
Kabuki syndrome. Also called: Kabuki make-up syndrome; NIIKAWA-KUROKI SYNDROME. Identifiers: Orphanet 2322, MedGen C0796004, MONDO:0016512.

Allele frequency attached by ClinVar (database versions not stated): gnomAD 0.00001; TOPMed 0.00001; gnomAD exomes 0.00002.
gnomAD v4.1: 36 of 1,579,632 alleles (0.0023%); highest among the groups gnomAD compares: Non-Finnish European, 0.0029%; no homozygotes.

Submissions (2):

Fulgent Genetics
Classification: Uncertain significance for Kabuki syndrome 1; Choanal atresia-athelia-hypothyroidism-delayed puberty-short stature syndrome. Last evaluated: 2024-01-03. Review status: criteria provided, single submitter. Criteria: ACMG Guidelines, 2015. Collection method: clinical testing. Allele origin: germline.

Labcorp Genetics (formerly Invitae), Labcorp
Classification: Uncertain significance for Kabuki syndrome. Last evaluated: 2021-04-04. Review status: criteria provided, single submitter. Criteria: Invitae Variant Classification Sherloc (09022015). Collection method: clinical testing. Allele origin: germline.
Comment: In summary, the available evidence is currently insufficient to determine the role of this variant in disease. Therefore, it has been classified as a Variant of Uncertain Significance. Advanced modeling of protein sequence and biophysical properties (such as structural, functional, and spatial information, amino acid conservation, physicochemical variation, residue mobility, and thermodynamic stability) performed at Invitae indicates that this missense variant is not expected to disrupt KMT2D protein function. This variant has not been reported in the literature in individuals with KMT2D-related conditions. This variant is not present in population databases (ExAC no frequency). This sequence change replaces proline with serine at codon 4242 of the KMT2D protein (p.Pro4242Ser). The proline residue is moderately conserved and there is a moderate physicochemical difference between proline and serine.